The following is an entry in ClinVar:

NM_005359.6(SMAD4):c.970T>C (p.Cys324Arg)

Gene: SMAD4 (SMAD family member 4; plus strand). Cytogenetic location: 18q21.2.
Variant type: single nucleotide variant.
Coding change: c.970T>C on transcript NM_005359.6 (MANE Select); coding-DNA position 970, T replaced by C.
Protein change: p.Cys324Arg; replaces cysteine 324 with arginine.
Molecular consequence: missense variant.
Genome position (GRCh38, 1-based): chr18:51,065,437, T>C. VCF-style: chr18-51065437-T-C. GRCh37 (hg19) VCF-style: chr18-48591807-T-C.
Other names: short protein forms C324R.
Identifiers: ClinVar variation 24819 (VCV000024819.5), dbSNP rs377767339, ClinGen allele CA259192.

ClinVar aggregate classification (germline): Uncertain significance. Review status: criteria provided, multiple submitters, no conflicts (2 of 4 stars). 2 submissions from 2 submitters: Uncertain significance (2). Last evaluated 2025-12-05.

Conditions:
Juvenile polyposis syndrome (JPS). Identifiers: Orphanet 2929, MedGen C0345893, MONDO:0017380, OMIM 174900.

Submissions (2):

Labcorp Genetics (formerly Invitae), Labcorp
Classification: Uncertain significance for Juvenile polyposis syndrome. Last evaluated: 2025-12-05. Review status: criteria provided, single submitter. Criteria: Invitae Variant Classification Sherloc (09022015). Collection method: clinical testing. Allele origin: germline.
Comment: This sequence change replaces cysteine, which is neutral and slightly polar, with arginine, which is basic and polar, at codon 324 of the SMAD4 protein (p.Cys324Arg). This variant is not present in population databases (gnomAD no frequency). This missense change has been observed in individual(s) with juvenile polyposis (PMID: 18178612). ClinVar contains an entry for this variant (Variation ID: 24819). Invitae Evidence Modeling of protein sequence and biophysical properties (such as structural, functional, and spatial information, amino acid conservation, physicochemical variation, residue mobility, and thermodynamic stability) has been performed for this missense variant. However, the output from this modeling did not meet the statistical confidence thresholds required to predict the impact of this variant on SMAD4 protein function. In summary, the available evidence is currently insufficient to determine the role of this variant in disease. Therefore, it has been classified as a Variant of Uncertain Significance.

GeneDx
Classification: Uncertain significance. Last evaluated: 2015-12-02. Review status: criteria provided, single submitter. Criteria: GeneDx Variant Classification (06012015). Collection method: clinical testing. Allele origin: germline. Affected: yes.
Comment: This variant is denoted SMAD4 c.970T>C at the cDNA level, p.Cys324Arg (C324R) at the protein level, and results in the change of a Cysteine to an Arginine (TGT>CGT). This variant was observed in an individual with juvenile polyposis and reported to also be present in an affected family member (van Hattem 2008). Immunohistochemistry studies of juvenile polyps from these same individuals demonstrated both normal and reduced SMAD4 protein expression, with the polyps demonstrating reduced expression also found to have loss of heterozygosity at the SMAD4 gene locus (Langeveld 2010). SMAD4 Cys324Arg was not observed in approximately 6,500 individuals of European and African American ancestry in the NHLBI Exome Sequencing Project, suggesting it is not a common benign variant in these populations. Since Cysteine and Arginine differ in polarity, charge, size or other properties, this is considered a non-conservative amino acid substitution. SMAD4 Cys324Arg occurs at a position that is conserved across species and is located in the MH2 domain (UniProt). In silico analyses predict that this variant is probably damaging to protein structure and function. Based on currently available evidence, it is unclear whether SMAD4 Cys324Arg is pathogenic or benign. We consider it to be a variant of uncertain significance.

Literature cited by the submitters: PubMed 18178612 (cited by Labcorp Genetics (formerly Invitae), Labcorp).